The following is an entry in ClinVar:

ClinVar aggregate classification (germline): Likely pathogenic (1 of 4 stars; one submission).

Conditions:
Autosomal recessive polycystic kidney disease (ARPKD). Also called: AR polycystic kidney disease. Identifiers: Orphanet 731, Orphanet 8378, MedGen C0085548, MeSH D017044, MONDO:0009889.

gnomAD v4.1: 5 of 1,613,552 alleles (0.00031%); highest among the groups gnomAD compares: Non-Finnish European, 0.00042%; no homozygotes.

Submission:

Natera, Inc.
Classification: Likely pathogenic for Autosomal recessive polycystic kidney disease. Last evaluated: 2024-12-01. Review status: criteria provided, single submitter. Criteria: Natera Variant Classification Schema (03/2026). Collection method: clinical testing. Allele origin: germline.
Comment: The c.6619C>T variant in PKHD1 is a nonsense variant predicted to introduce a stop codon at amino acid 2207. This variant is expected to result in nonsense mediated decay, truncation, or a dysfunctional protein product. This variant is rare in the general population with a frequency below the threshold expected for the associated phenotype(s). Given the available evidence, this variant is classified as Likely Pathogenic.

NM_138694.4(PKHD1):c.6619C>T (p.Gln2207Ter)

Gene: PKHD1 (PKHD1 ciliary IPT domain containing fibrocystin/polyductin; minus strand). Cytogenetic location: 6p12.2.
Variant type: single nucleotide variant.
Coding change: c.6619C>T on transcript NM_138694.4 (MANE Select); coding-DNA position 6619, C replaced by T.
Protein change: p.Gln2207Ter; replaces glutamine 2207 with a stop codon.
Molecular consequence: nonsense.
Genome position (GRCh38, 1-based): chr6:51,909,346, G>A on the plus strand (C>T on the coding strand, the complement: PKHD1 is on the minus strand). VCF-style: chr6-51909346-G-A. GRCh37 (hg19) VCF-style: chr6-51774144-G-A.
Other names: c.6619C>T, p.Gln2207Ter (NM_170724.3); short protein forms Q2207*.
Identifiers: ClinVar variation 4816721 (VCV004816721.1).
Genomic context (GRCh38, chr6:51,909,346, plus strand): 5'-TCATAGCTCCCACCAGAGTGAGTGAGCTCAGATGCTTATGGAAGGCTTGCCCCAAGACTT[G>A]AAACTGCACTCCCTTCAACTGGACCTGGCTGGGCTCTTCTGGGAAGGACTGAACGATCAC-3'